The following is an entry in ClinVar:

NM_024757.5(EHMT1):c.2596G>A (p.Val866Ile)

Gene: EHMT1 (euchromatic histone lysine methyltransferase 1; plus strand). Cytogenetic location: 9q34.3.
Variant type: single nucleotide variant.
Coding change: c.2596G>A on transcript NM_024757.5 (MANE Select); coding-DNA position 2596, G replaced by A.
Protein change: p.Val866Ile; replaces valine 866 with isoleucine.
Molecular consequence: missense variant.
Genome position (GRCh38, 1-based): chr9:137,798,903, G>A. VCF-style: chr9-137798903-G-A. GRCh37 (hg19) VCF-style: chr9-140693355-G-A.
Other names: c.2575G>A, p.Val859Ile (NM_001354263.2); short protein forms V866I, V859I.
Identifiers: ClinVar variation 531851 (VCV000531851.16), dbSNP rs749645029, ClinGen allele CA5374993.

ClinVar aggregate classification (germline): Benign/Likely benign. Review status: criteria provided, multiple submitters, no conflicts (2 of 4 stars). 3 submissions from 3 submitters: Benign (1); Likely benign (2). Last evaluated 2026-04-01.

Conditions:
Kleefstra syndrome 1 (KLEFS1). Identifiers: Orphanet 261494, MedGen C0795833, MONDO:0027407, OMIM 610253.

Allele frequency attached by ClinVar (database versions not stated): ExAC 0.00003; gnomAD 0.00004; gnomAD exomes 0.00004 and 0.00005; TOPMed 0.00005.
gnomAD v4.1: 79 of 1,612,570 alleles (0.0049%); highest among the groups gnomAD compares: African/African-American, 0.011%; no homozygotes.

Submissions (3):

CeGaT Center for Human Genetics Tuebingen
Classification: Likely benign. Last evaluated: 2026-04-01. Review status: criteria provided, single submitter. Criteria: CeGaT Center For Human Genetics Tuebingen Variant Classification Criteria Version 2. Collection method: clinical testing. Allele origin: germline. Affected: yes. Observed: 1 variant allele.
Comment: EHMT1: BP4, BS2

Labcorp Genetics (formerly Invitae), Labcorp
Classification: Benign for Kleefstra syndrome 1. Last evaluated: 2024-12-03. Review status: criteria provided, single submitter. Criteria: Invitae Variant Classification Sherloc (09022015). Collection method: clinical testing. Allele origin: germline.

GeneDx
Classification: Likely benign. Last evaluated: 2020-06-29. Review status: criteria provided, single submitter. Criteria: GeneDx Variant Classification Process June 2021. Collection method: clinical testing. Allele origin: germline. Affected: yes.